The following is an entry in ClinVar:

NM_005560.6(LAMA5):c.4697C>T (p.Pro1566Leu)

Gene: LAMA5 (laminin subunit alpha 5; minus strand). Cytogenetic location: 20q13.33.
Variant type: single nucleotide variant.
Coding change: c.4697C>T on transcript NM_005560.6 (MANE Select); coding-DNA position 4697, C replaced by T.
Protein change: p.Pro1566Leu; replaces proline 1566 with leucine.
Molecular consequence: missense variant.
Genome position (GRCh38, 1-based): chr20:62,327,966, G>A on the plus strand (C>T on the coding strand, the complement: LAMA5 is on the minus strand). VCF-style: chr20-62327966-G-A. GRCh37 (hg19) VCF-style: chr20-60903022-G-A.
Other names: short protein forms P1566L.
Identifiers: ClinVar variation 2043975 (VCV002043975.2), dbSNP rs149169462, ClinGen allele CA9942510.

ClinVar aggregate classification (germline): Uncertain significance (1 of 4 stars; one submission).

Allele frequency attached by ClinVar (database versions not stated): ESP Exome Variant Server 0.00046; TOPMed 0.00069; gnomAD 0.00072; 1000 Genomes Project 30x 0.00078; 1000 Genomes Project 0.00100.
gnomAD v4.1: 1,201 of 1,612,430 alleles (0.074%); highest among the groups gnomAD compares: African/African-American, 0.13%; 1 homozygote.

Submission:

Labcorp Genetics (formerly Invitae), Labcorp
Classification: Uncertain significance. Last evaluated: 2024-01-29. Review status: criteria provided, single submitter. Criteria: Invitae Variant Classification Sherloc (09022015). Collection method: clinical testing. Allele origin: germline.
Comment: This sequence change replaces proline, which is neutral and non-polar, with leucine, which is neutral and non-polar, at codon 1566 of the LAMA5 protein (p.Pro1566Leu). This variant is present in population databases (rs149169462, gnomAD 0.1%), and has an allele count higher than expected for a pathogenic variant. This variant has not been reported in the literature in individuals affected with LAMA5-related conditions. ClinVar contains an entry for this variant (Variation ID: 2043975). An algorithm developed to predict the effect of missense changes on protein structure and function (PolyPhen-2) suggests that this variant¬†is likely to be tolerated. In summary, the available evidence is currently insufficient to determine the role of this variant in disease. Therefore, it has been classified as a Variant of Uncertain Significance.